The following is an entry in ClinVar:

NM_001377.3(DYNC2H1):c.8624T>C (p.Phe2875Ser)

Gene: DYNC2H1 (dynein cytoplasmic 2 heavy chain 1; plus strand). Cytogenetic location: 11q22.3.
Variant type: single nucleotide variant.
Coding change: c.8624T>C on transcript NM_001377.3 (MANE Select); coding-DNA position 8624, T replaced by C.
Protein change: p.Phe2875Ser; replaces phenylalanine 2875 with serine.
Molecular consequence: missense variant.
Genome position (GRCh38, 1-based): chr11:103,211,873, T>C. VCF-style: chr11-103211873-T-C. GRCh37 (hg19) VCF-style: chr11-103082602-T-C.
Other names: c.8624T>C, p.Phe2875Ser (NM_001080463.2); short protein forms F2875S.
Identifiers: ClinVar variation 5038017 (VCV005038017.1).
Genomic context (GRCh38, chr11:103,211,873, plus strand): 5'-TTTTATTAATCCATGAATCTTGTAAAGCATATGGTGCTACACCAAGCCGATACATGACCT[T>C]TTTACATGTGTATTCTGCCATTAGTAGTAGCAAGAAAAAGGAATTATTAAAAAGACAAAG-3'
Protein context (NP_001368.2, residues 2865-2885): YGATPSRYMT[Phe2875Ser]LHVYSAISSS

ClinVar aggregate classification (germline): Uncertain significance (1 of 4 stars; one submission).

Conditions:
Asphyxiating thoracic dystrophy 3. Also called: SHORT-RIB THORACIC DYSPLASIA 3 WITH OR WITHOUT POLYDACTYLY; POLYDACTYLY WITH NEONATAL CHONDRODYSTROPHY, TYPE I; SHORT-RIB THORACIC DYSPLASIA 3/6 WITH POLYDACTYLY, DIGENIC; Short rib polydactyly syndrome 2B; Saldino-Noonan Syndrome. Identifiers: Orphanet 474, Orphanet 93269, Orphanet 93270, Orphanet 93271, MedGen C0036069, MONDO:0013127, OMIM 613091.

gnomAD v4.1: 1 of 1,533,982 alleles (0.000065%); highest among the groups gnomAD compares: Non-Finnish European, 0.000088%; no homozygotes.

Submission:

Juno Genomics, Hangzhou Juno Genomics, Inc
Classification: Uncertain significance for Asphyxiating thoracic dystrophy 3. Review status: criteria provided, single submitter. Criteria: ACMG Guidelines, 2015. Collection method: clinical testing. Allele origin: germline. Affected: yes.
Comment: Absent from controls (or at extremely low frequency if recessive) in Genome Aggregation Database.;Multiple lines of computational evidence support a deleterious effect on the gene or gene product.;Patient's phenotype or family history is highly specific for a disease with a single genetic etiology.